The following is an entry in ClinVar:

NM_000883.4(IMPDH1):c.1778C>T (p.Ser593Phe)

Gene: IMPDH1 (inosine monophosphate dehydrogenase 1; minus strand). Cytogenetic location: 7q32.1.
Variant type: single nucleotide variant.
Coding change: c.1778C>T on transcript NM_000883.4 (MANE Select); coding-DNA position 1778, C replaced by T.
Protein change: p.Ser593Phe; replaces serine 593 with phenylalanine.
Molecular consequence: missense variant.
Genome position (GRCh38, 1-based): chr7:128,394,278, G>A on the plus strand (C>T on the coding strand, the complement: IMPDH1 is on the minus strand). VCF-style: chr7-128394278-G-A. GRCh37 (hg19) VCF-style: chr7-128034332-G-A.
Other names: c.1748C>T, p.Ser583Phe (NM_001102605.2); c.1523C>T, p.Ser508Phe (NM_001142573.2); c.1508C>T, p.Ser503Phe (NM_001142574.2); c.1448C>T, p.Ser483Phe (NM_001142575.2); c.1679C>T, p.Ser560Phe (NM_001142576.2); c.1571C>T, p.Ser524Phe (NM_001304521.2); c.1670C>T, p.Ser557Phe (NM_183243.3); short protein forms S483F, S508F, S560F, S524F, S503F, S557F, S583F, S593F.
Identifiers: ClinVar variation 1431483 (VCV001431483.8), dbSNP rs760603000, ClinGen allele CA4470724.
Genomic context (GRCh38, chr7:128,394,278, plus strand): 5'-CTGGCCCCACCTGCCCAACCCACTGCCTCCAAGTGACAGCAAGGAGGCCACCACACTTAC[G>A]AGTGCAGGCCATGGACACCACCCTCAATCTGGGCCGACATGGTCCGCTTCTCAAACTTGA-3'
Protein context (NP_000874.2, residues 583-599): QIEGGVHGLH[Ser593Phe]YEKRLY

ClinVar aggregate classification (germline): Uncertain significance (1 of 4 stars; one submission).

Allele frequency attached by ClinVar (database versions not stated): ExAC 0.00004; gnomAD exomes 0.00004; TOPMed 0.00005; gnomAD 0.00006.
gnomAD v4.1: 58 of 1,613,236 alleles (0.0036%); highest among the groups gnomAD compares: South Asian, 0.02%; no homozygotes.

Submission:

Labcorp Genetics (formerly Invitae), Labcorp
Classification: Uncertain significance. Last evaluated: 2025-08-23. Review status: criteria provided, single submitter. Criteria: Invitae Variant Classification Sherloc (09022015). Collection method: clinical testing. Allele origin: germline.
Comment: This sequence change replaces serine, which is neutral and polar, with phenylalanine, which is neutral and non-polar, at codon 593 of the IMPDH1 protein (p.Ser593Phe). This variant is present in population databases (rs760603000, gnomAD 0.03%). This variant has not been reported in the literature in individuals affected with IMPDH1-related conditions. ClinVar contains an entry for this variant (Variation ID: 1431483). An algorithm developed to predict the effect of missense changes on protein structure and function (PolyPhen-2) suggests that this variant is likely to be disruptive. In summary, the available evidence is currently insufficient to determine the role of this variant in disease. Therefore, it has been classified as a Variant of Uncertain Significance.